The following is an entry in ClinVar:

ClinVar aggregate classification (germline): Pathogenic (1 of 4 stars; one submission).

Conditions:
Microcephaly, normal intelligence and immunodeficiency (NBS). Also called: IMMUNODEFICIENCY, MICROCEPHALY, AND CHROMOSOMAL INSTABILITY; SEEMANOVA SYNDROME II; Nijmegen breakage syndrome; Microcephaly with normal intelligence immunodeficiency and lymphoreticular malignancies; Nonsyndromal microcephaly autosomal recessive with normal intelligence; Seemanova syndrome 2. Identifiers: Orphanet 647, MedGen C0398791, MONDO:0009623, OMIM 251260.

Submission:

Myriad Genetics, Inc.
Classification: Pathogenic for Microcephaly, normal intelligence and immunodeficiency. Last evaluated: 2025-07-29. Review status: criteria provided, single submitter. Criteria: Myriad Autosomal Dominant, Autosomal Recessive and X-Linked Classification Criteria (2023). Collection method: clinical testing. Allele origin: unknown.
Comment: NM_002485.4(NBN):c.771delA(E258Kfs*18) is expected to be pathogenic in the context of Nijmegen breakage syndrome. This variant is predicted to lead to an abnormal or absent protein product due to the creation of a premature termination codon in NBN, a gene where loss-of-function variants are known to be pathogenic. Please note: this variant was assessed in the context of healthy population screening.

NM_002485.5(NBN):c.771del (p.Glu258fs)

Gene: NBN (nibrin; minus strand). Cytogenetic location: 8q21.3.
Variant type: Deletion.
Coding change: c.771del on transcript NM_002485.5 (MANE Select); coding-DNA position 771, one base deleted (A; older notation c.771delA).
Protein change: p.Glu258fs; shifts the reading frame from glutamic acid 258.
Molecular consequence: frameshift variant.
Genome position (GRCh38, 1-based): chr8:89,970,489, T deleted on the plus strand (A on the coding strand, the reverse complement: NBN is on the minus strand); the first of 2 consecutive T bases (chr8:89,970,489-89,970,490); deleting either gives the same sequence. VCF-style (leftmost placement, unchanged base first): chr8-89970488-CT-C. GRCh37 (hg19) VCF-style: chr8-90982716-CT-C.
Other names: c.525del, p.Glu176fs (NM_001024688.3, NM_001440379.1, NM_001440380.1); short protein forms E176fs, E258fs.
Identifiers: ClinVar variation 5014794 (VCV005014794.1).